The following is an entry in ClinVar:

NM_020338.4(ZMIZ1):c.1592C>A (p.Ser531Tyr)

Gene: ZMIZ1 (zinc finger MIZ-type containing 1; plus strand). Cytogenetic location: 10q22.3.
Variant type: single nucleotide variant.
Coding change: c.1592C>A on transcript NM_020338.4 (MANE Select); coding-DNA position 1592, C replaced by A.
Protein change: p.Ser531Tyr; replaces serine 531 with tyrosine.
Molecular consequence: missense variant.
Genome position (GRCh38, 1-based): chr10:79,298,506, C>A. VCF-style: chr10-79298506-C-A. GRCh37 (hg19) VCF-style: chr10-81058263-C-A.
Other names: short protein forms S531Y.
Identifiers: ClinVar variation 3572776 (VCV003572776.1).

ClinVar aggregate classification (germline): Uncertain significance (1 of 4 stars; one submission).

Submission:

GeneDx
Classification: Uncertain significance. Last evaluated: 2024-07-11. Review status: criteria provided, single submitter. Criteria: GeneDx Variant Classification Process June 2021. Collection method: clinical testing. Allele origin: germline. Affected: yes.
Comment: Not observed at significant frequency in large population cohorts (gnomAD); In silico analysis supports that this missense variant has a deleterious effect on protein structure/function; Has not been previously published as pathogenic or benign to our knowledge